The following is an entry in ClinVar:

ClinVar aggregate classification (germline): Uncertain significance. Review status: criteria provided, multiple submitters, no conflicts (2 of 4 stars). 3 submissions from 3 submitters: Uncertain significance (2). 1 of the submissions does not count toward it. Last evaluated 2026-05-12.

Conditions:
Inborn genetic diseases. Identifiers: MedGen C0950123, MeSH D030342.
Intellectual disability-hypotonic facies syndrome, X-linked, 1 (MRXHF1). Also called: XLMR-HYPOTONIC FACIES SYNDROME; X-linked intellectual disability-hypotonic face syndrome; Carpenter-Waziri syndrome; Smith Fineman Myers syndrome 1; CHUDLEY-LOWRY SYNDROME; Chudley syndrome 1. Identifiers: Orphanet 73220, Orphanet 93970, Orphanet 93971, Orphanet 93972, Orphanet 93973, Orphanet 93974, Orphanet 93975, MedGen C4759781, MONDO:0010663, OMIM 309580.
Alpha thalassemia-X-linked intellectual disability syndrome (ATRX). Also called: ALPHA-THALASSEMIA/MENTAL RETARDATION SYNDROME, X-LINKED; ATR, NONDELETION TYPE; X-linked alpha-thalassemia-mental retardation syndrome; ATR-X syndrome; Alpha thalassemia mental retardation syndrome, nondeletion type, X-linked; XLMR hypotonic face syndrome. Identifiers: Orphanet 847, MedGen C1845055, MONDO:0010519, OMIM 301040.

Allele frequency attached by ClinVar (database versions not stated): ExAC 0.00001; gnomAD exomes below 0.00001; gnomAD 0.00003; TOPMed 0.00001.
gnomAD v4.1: 6 of 1,208,098 alleles (0.0005%); highest among the groups gnomAD compares: East Asian, 0.0059%; no homozygotes.

Submissions (3):

Ambry Genetics
Classification: Uncertain significance for Inborn genetic diseases. Last evaluated: 2026-05-12. Review status: criteria provided, single submitter. Criteria: Ambry Variant Classification Scheme 2023. Collection method: clinical testing. Allele origin: germline.
Comment: The c.2101C>T (p.R701C) alteration is located in exon 9 (coding exon 9) of the ATRX gene. This alteration results from a C to T substitution at nucleotide position 2101, causing the arginine (R) at amino acid position 701 to be replaced by a cysteine (C). Based on data from gnomAD, the T allele has an overall frequency of <0.001% (1/182481) total alleles studied. The highest observed frequency was 0.007% (1/13858) of East Asian alleles. Based on insufficient or conflicting evidence, the clinical significance of this alteration remains unclear.

Labcorp Genetics (formerly Invitae), Labcorp
Classification: Uncertain significance for Alpha thalassemia-X-linked intellectual disability syndrome. Last evaluated: 2025-08-05. Review status: criteria provided, single submitter. Criteria: Invitae Variant Classification Sherloc (09022015). Collection method: clinical testing. Allele origin: germline.
Comment: This sequence change replaces arginine, which is basic and polar, with cysteine, which is neutral and slightly polar, at codon 701 of the ATRX protein (p.Arg701Cys). This variant is present in population databases (rs533271695, gnomAD 0.008%). This variant has not been reported in the literature in individuals affected with ATRX-related conditions. ClinVar contains an entry for this variant (Variation ID: 1710247). Invitae Evidence Modeling of protein sequence and biophysical properties (such as structural, functional, and spatial information, amino acid conservation, physicochemical variation, residue mobility, and thermodynamic stability) indicates that this missense variant is not expected to disrupt ATRX protein function with a negative predictive value of 95%. In summary, the available evidence is currently insufficient to determine the role of this variant in disease. Therefore, it has been classified as a Variant of Uncertain Significance.

Clinical Genetics Laboratory, University Hospital Schleswig-Holstein
Classification: Uncertain significance for Intellectual disability-hypotonic facies syndrome, X-linked, 1. Last evaluated: 2022-05-02. Review status: no assertion criteria provided. Collection method: clinical testing. Allele origin: germline. Affected: yes. Not counted in ClinVar's aggregate classification.

NM_000489.6(ATRX):c.2101C>T (p.Arg701Cys)

Gene: ATRX (ATRX chromatin remodeler; minus strand). Cytogenetic location: Xq21.1.
Variant type: single nucleotide variant.
Coding change: c.2101C>T on transcript NM_000489.6 (MANE Select); coding-DNA position 2101, C replaced by T.
Protein change: p.Arg701Cys; replaces arginine 701 with cysteine.
Molecular consequence: missense variant.
Genome position (GRCh38, 1-based): chrX:77,683,155, G>A on the plus strand (C>T on the coding strand, the complement: ATRX is on the minus strand). VCF-style: chrX-77683155-G-A. GRCh37 (hg19) VCF-style: chrX-76938647-G-A.
Other names: c.2101C>T (NM_000489.3); c.1987C>T, p.Arg663Cys (NM_138270.5); short protein forms R663C, R701C.
Identifiers: ClinVar variation 1710247 (VCV001710247.4), dbSNP rs533271695, ClinGen allele CA10458131.